The following is an entry in ClinVar:

ClinVar aggregate classification (germline): Uncertain significance (1 of 4 stars; one submission).

Submission:

Labcorp Genetics (formerly Invitae), Labcorp
Classification: Uncertain significance. Last evaluated: 2025-03-12. Review status: criteria provided, single submitter. Criteria: Invitae Variant Classification Sherloc (09022015). Collection method: clinical testing. Allele origin: germline.
Comment: This sequence change replaces glycine, which is neutral and non-polar, with aspartic acid, which is acidic and polar, at codon 325 of the LRRC56 protein (p.Gly325Asp). This variant is not present in population databases (gnomAD no frequency). This variant has not been reported in the literature in individuals affected with LRRC56-related conditions. An algorithm developed to predict the effect of missense changes on protein structure and function (PolyPhen-2) suggests that this variant is likely to be disruptive. In summary, the available evidence is currently insufficient to determine the role of this variant in disease. Therefore, it has been classified as a Variant of Uncertain Significance.

NM_198075.4(LRRC56):c.974G>A (p.Gly325Asp)

Gene: LRRC56 (leucine rich repeat containing 56; plus strand). Cytogenetic location: 11p15.5.
Variant type: single nucleotide variant.
Coding change: c.974G>A on transcript NM_198075.4 (MANE Select); coding-DNA position 974, G replaced by A.
Protein change: p.Gly325Asp; replaces glycine 325 with aspartic acid.
Molecular consequence: missense variant.
Genome position (GRCh38, 1-based): chr11:551,903, G>A. VCF-style: chr11-551903-G-A. GRCh37 (hg19) VCF-style: chr11-551903-G-A.
Other names: c.974G>A, p.Gly325Asp (NM_001441283.1, NM_001441284.1); c.797G>A, p.Gly266Asp (NM_001441285.1, NM_001441286.1); short protein forms G266D, G325D.
Identifiers: ClinVar variation 4761607 (VCV004761607.1).